The following is an entry in ClinVar:

NM_001357.5(DHX9):c.900+1_900+2dup

Gene: DHX9 (DExH-box helicase 9; plus strand). Cytogenetic location: 1q25.3.
Variant type: Duplication.
Coding change: c.900+1_900+2dup on transcript NM_001357.5 (MANE Select); the canonical splice donor site of the intron after coding-DNA position 900, 2 bases duplicated (GT; older notation c.900+1_900+2dupGT).
Molecular consequence: splice donor variant.
Genome position (GRCh38, 1-based): chr1:182,858,641-182,858,642, GT duplicated. VCF-style (leftmost placement, unchanged base first): chr1-182858640-G-GGT. GRCh37 (hg19) VCF-style: chr1-182827775-G-GGT.
Identifiers: ClinVar variation 3893406 (VCV003893406.1).

ClinVar aggregate classification (germline): Uncertain significance (1 of 4 stars; one submission).

Submission:

GeneDx
Classification: Uncertain significance. Last evaluated: 2024-10-22. Review status: criteria provided, single submitter. Criteria: GeneDx Variant Classification Process June 2021. Collection method: clinical testing. Allele origin: germline. Affected: yes.
Comment: Intronic +5 splice site variant in a gene for which loss of function is a known mechanism of disease, and both splice predictors and evolutionary conservation support a deleterious effect, although in the absence of functional evidence the actual effect of this sequence change is unknown.; Not observed at significant frequency in large population cohorts (gnomAD); Has not been previously published as pathogenic or benign to our knowledge